The following is an entry in ClinVar:

NM_001277115.2(DNAH11):c.4516_4517del (p.Leu1506fs)

Gene: DNAH11 (dynein axonemal heavy chain 11; plus strand). Cytogenetic location: 7p15.3.
Variant type: Microsatellite.
Coding change: c.4516_4517del on transcript NM_001277115.2 (MANE Select); coding-DNA positions 4516 to 4517, 2 bases deleted (CT; older notation c.4516_4517delCT).
Protein change: p.Leu1506fs; shifts the reading frame from leucine 1506.
Molecular consequence: frameshift variant.
Genome position (GRCh38, 1-based): chr7:21,635,886-21,635,887, CT deleted; deleting any 2 consecutive bases within chr7:21,635,884-21,635,887 gives the same sequence; the c. name uses the placement nearest the transcript's 3' end. VCF-style (leftmost placement, unchanged base first): chr7-21635883-ACT-A. GRCh37 (hg19) VCF-style: chr7-21675501-ACT-A.
Other names: NM_001277115.2:c.4516_4517del; short protein forms L1506fs.
Identifiers: ClinVar variation 3776920 (VCV003776920.1).

ClinVar aggregate classification (germline): Pathogenic (1 of 4 stars; one submission).

Conditions:
Primary ciliary dyskinesia 7. Also called: CILIARY DYSKINESIA, PRIMARY, 7, WITH OR WITHOUT SITUS INVERSUS. Identifiers: Orphanet 244, MedGen C2678473, MONDO:0012748, OMIM 611884.

Submission:

Broad Center for Mendelian Genomics, Broad Institute of MIT and Harvard
Classification: Pathogenic for Primary ciliary dyskinesia 7. Last evaluated: 2025-02-12. Review status: criteria provided, single submitter. Criteria: ACMG Guidelines, 2015. Collection method: curation. Allele origin: germline. Inheritance: Autosomal recessive inheritance.
Comment: The p.Leu1506SerfsTer11 variant in DNAH11 has been reported, in the compound heterozygous state, in 1 individual with primary ciliary dyskinesia (PMID: 22184204), and has been identified in 0.00008% (1/1177904) of European non-Finnish chromosomes by the Genome Aggregation Database (gnomAD; dbSNP rs762286891). Although this variant has been seen in the general population in a heterozygous state, its frequency is low enough to be consistent with a recessive carrier frequency. This variant is predicted to cause a frameshift, which alters the protein's amino acid sequence beginning at position 1506 and leads to a premature termination codon 11 amino acids downstream. This alteration is then predicted to lead to a truncated or absent protein. Loss of function of the DNAH11 gene is an established disease mechanism in autosomal recessive primary ciliary dyskinesia. In summary, this variant meets criteria to be classified as pathogenic for autosomal recessive primary ciliary dyskinesia. ACMG/AMP Criteria applied: PVS1, PM3, PM2_supporting (Richards 2015).